The following is an entry in ClinVar:

ClinVar aggregate classification (germline): Uncertain significance. Review status: criteria provided, multiple submitters, no conflicts (2 of 4 stars). 2 submissions from 2 submitters: Uncertain significance (2). Last evaluated 2026-03-21.

Conditions:
Inborn genetic diseases. Identifiers: MedGen C0950123, MeSH D030342.

gnomAD v4.1: 4 of 1,614,136 alleles (0.00025%); highest among the groups gnomAD compares: Non-Finnish European, 0.00034%; no homozygotes.

Submissions (2):

Ambry Genetics
Classification: Uncertain significance for Inborn genetic diseases. Last evaluated: 2026-03-21. Review status: criteria provided, single submitter. Criteria: Ambry Variant Classification Scheme 2023. Collection method: clinical testing. Allele origin: germline.
Comment: The p.T722I variant (also known as c.2165C>T), located in coding exon 13 of the CDH2 gene, results from a C to T substitution at nucleotide position 2165. The threonine at codon 722 is replaced by isoleucine, an amino acid with similar properties. This amino acid position is conserved. In addition, the in silico prediction for this alteration is inconclusive. Based on the available evidence, the clinical significance of this variant remains unclear.

Labcorp Genetics (formerly Invitae), Labcorp
Classification: Uncertain significance. Last evaluated: 2024-05-12. Review status: criteria provided, single submitter. Criteria: Invitae Variant Classification Sherloc (09022015). Collection method: clinical testing. Allele origin: germline.
Comment: This sequence change replaces threonine, which is neutral and polar, with isoleucine, which is neutral and non-polar, at codon 722 of the CDH2 protein (p.Thr722Ile). This variant is present in population databases (rs781525713, gnomAD 0.002%). This variant has not been reported in the literature in individuals affected with CDH2-related conditions. An algorithm developed to predict the effect of missense changes on protein structure and function (PolyPhen-2) suggests that this variant is likely to be disruptive. In summary, the available evidence is currently insufficient to determine the role of this variant in disease. Therefore, it has been classified as a Variant of Uncertain Significance.

NM_001792.5(CDH2):c.2165C>T (p.Thr722Ile)

Gene: CDH2 (cadherin 2; minus strand). Cytogenetic location: 18q12.1.
Variant type: single nucleotide variant.
Coding change: c.2165C>T on transcript NM_001792.5 (MANE Select); coding-DNA position 2165, C replaced by T.
Protein change: p.Thr722Ile; replaces threonine 722 with isoleucine.
Molecular consequence: missense variant.
Genome position (GRCh38, 1-based): chr18:27,985,044, G>A on the plus strand (C>T on the coding strand, the complement: CDH2 is on the minus strand). VCF-style: chr18-27985044-G-A. GRCh37 (hg19) VCF-style: chr18-25565008-G-A.
Other names: c.2072C>T, p.Thr691Ile (NM_001308176.2); c.2165C>T (NM_001792.3); short protein forms T691I, T722I.
Identifiers: ClinVar variation 3695415 (VCV003695415.3).
Genomic context (GRCh38, chr18:27,985,044, plus strand): 5'-CAATAAAAGTACTCACTAAGCAGGATGATGATGCAGAGCAGGATGGCAATGATGGCACCG[G>A]TGCCAAGCCCCGCACCCACAATCCTGTCCACATCTGTGCAGTCCCCGTTGGAGTCACACT-3'
Protein context (NP_001783.2, residues 712-732): VDRIVGAGLG[Thr722Ile]GAIIAILLCI